The following is an entry in ClinVar:

NM_004360.5(CDH1):c.879G>A (p.Val293=)

Gene: CDH1 (cadherin 1; plus strand). Cytogenetic location: 16q22.1.
Variant type: single nucleotide variant.
Coding change: c.879G>A on transcript NM_004360.5 (MANE Select); coding-DNA position 879, G replaced by A.
Protein change: p.Val293=; no amino-acid change (valine 293 retained).
Molecular consequence: synonymous variant. On other transcripts: 5 prime UTR variant (2).
Genome position (GRCh38, 1-based): chr16:68,811,730, G>A. VCF-style: chr16-68811730-G-A. GRCh37 (hg19) VCF-style: chr16-68845633-G-A.
Other names: c.879G>A (LRG_301t1); c.879G>A, p.Val293= (NM_001317184.2); c.-737G>A (NM_001317185.2); c.-941G>A (NM_001317186.2).
Identifiers: ClinVar variation 185751 (VCV000185751.60), dbSNP rs778959722, ClinGen allele CA192829.

ClinVar aggregate classification (germline): Benign/Likely benign. Review status: criteria provided, multiple submitters, no conflicts (2 of 4 stars). 12 submissions from 12 submitters: Benign (2); Likely benign (8). 2 of the submissions do not count toward it. Last evaluated 2025-12-21.

Conditions:
CDH1-related disorder. Also called: CDH1-related condition.
Hereditary cancer-predisposing syndrome. Also called: Tumor predisposition; Neoplastic Syndromes, Hereditary; Hereditary Cancer Syndrome; Hereditary neoplastic syndrome. Identifiers: Orphanet 140162, MedGen C0027672, MeSH D009386, MONDO:0015356.
Hereditary diffuse gastric adenocarcinoma (HDGC). Also called: DIFFUSE GASTRIC AND LOBULAR BREAST CANCER SYNDROME. Identifiers: Orphanet 26106, MedGen C1708349, MONDO:0007648, OMIM 137215.

Allele frequency attached by ClinVar (database versions not stated): ExAC 0.00001; gnomAD 0.00001; gnomAD exomes 0.00001.
gnomAD v4.1: 15 of 1,613,932 alleles (0.00093%); highest among the groups gnomAD compares: Middle Eastern, 0.033%; no homozygotes.

Submissions (12):

Labcorp Genetics (formerly Invitae), Labcorp
Classification: Likely benign for Hereditary diffuse gastric adenocarcinoma. Last evaluated: 2025-12-21. Review status: criteria provided, single submitter. Criteria: Invitae Variant Classification Sherloc (09022015). Collection method: clinical testing. Allele origin: germline.

Center for Genomic Medicine, Rigshospitalet, Copenhagen University Hospital
Classification: Likely benign. Last evaluated: 2025-03-04. Review status: criteria provided, single submitter. Criteria: ACMG Guidelines, 2015. Collection method: clinical testing. Allele origin: germline.

Myriad Genetics, Inc.
Classification: Benign for Hereditary diffuse gastric adenocarcinoma. Last evaluated: 2024-09-16. Review status: criteria provided, single submitter. Criteria: Myriad Autosomal Dominant, Autosomal Recessive and X-Linked Classification Criteria (2023). Collection method: clinical testing. Allele origin: unknown.
Comment: This variant is considered benign. This variant is a silent/synonymous amino acid change and it is not expected to impact splicing.

Blueprint Genetics
Classification: Likely benign. Last evaluated: 2024-02-16. Review status: criteria provided, single submitter. Criteria: ACMG Guidelines, 2015. Collection method: clinical testing. Allele origin: germline.

Sema4
Classification: Likely benign for Hereditary cancer-predisposing syndrome. Last evaluated: 2021-11-27. Review status: criteria provided, single submitter. Criteria: Sema4 Curation Guidelines. Collection method: curation. Allele origin: germline.

CeGaT Center for Human Genetics Tuebingen
Classification: Likely benign. Last evaluated: 2021-08-01. Review status: criteria provided, single submitter. Criteria: CeGaT Center For Human Genetics Tuebingen Variant Classification Criteria Version 2. Collection method: clinical testing. Allele origin: germline. Affected: yes. Observed: 1 variant allele.

Women's Health and Genetics/Laboratory Corporation of America, LabCorp
Classification: Likely benign. Last evaluated: 2020-01-12. Review status: criteria provided, single submitter. Criteria: LabCorp Variant Classification Summary - May 2015. Collection method: clinical testing. Allele origin: germline.

Color Diagnostics, LLC DBA Color Health
Classification: Likely benign for Hereditary cancer-predisposing syndrome. Last evaluated: 2016-02-25. Review status: criteria provided, single submitter. Criteria: ACMG Guidelines, 2015. Collection method: clinical testing. Allele origin: germline.

GeneDx
Classification: Benign. Last evaluated: 2015-07-07. Review status: criteria provided, single submitter. Criteria: GeneDx Variant Classification Process June 2021. Collection method: clinical testing. Allele origin: germline. Affected: yes.

Ambry Genetics
Classification: Likely benign for Hereditary cancer-predisposing syndrome. Last evaluated: 2014-07-18. Review status: criteria provided, single submitter. Criteria: Ambry Variant Classification Scheme 2023. Collection method: clinical testing. Allele origin: germline.

PreventionGenetics, part of Exact Sciences
Classification: Likely benign for CDH1-related condition. Last evaluated: 2023-04-25. Review status: no assertion criteria provided. Collection method: clinical testing. Allele origin: germline. Not counted in ClinVar's aggregate classification.
Comment: This variant is classified as likely benign based on ACMG/AMP sequence variant interpretation guidelines (Richards et al. 2015 PMID: 25741868, with internal and published modifications).

Department of Pathology and Laboratory Medicine, Sinai Health System
Classification: Likely benign. Review status: no assertion criteria provided. Collection method: clinical testing. Allele origin: unknown. Affected: yes. Observed: 1 variant allele. Study: The Canadian Open Genetics Repository (COGR). Not counted in ClinVar's aggregate classification.
Comment: The CDH1 p.Val293= variant was not identified in the literature nor was it identified in the databases. The variant was identified in dbSNP (ID: rs778959722) â€šÃ„ÃºWith Likely benign alleleâ€šÃ„Ã¹, and ClinVar (classified likely benign by Ambry Genetics, Inivitae and Color). The variant was identified in control databases in 2 of 246252 chromosomes at a frequency of 0.000008 (Genome Aggregation Database Feb 27, 2017), observed in the following population: European Non-Finnish in 2 of 111700 chromosomes (freq: 0.00002), while not observed in the African, Other, Latino, Ashkenazi Jewish, East Asian, European Finnish, and South Asian populations. The p.Val293= variant is not expected to have clinical significance because it does not result in a change of amino acid and is not located in a known consensus splice site. In addition, in silico or computational prediction software programs (SpliceSiteFinder, MaxEntScan, NNSPLICE, GeneSplicer) do not predict a difference in splicing. The variant occurs outside of the splicing consensus sequence and in silico or computational prediction software programs (SpliceSiteFinder, MaxEntScan, NNSPLICE, GeneSplicer) do not predict a difference in splicing. In summary, based on the above information the clinical significance of this variant cannot be determined with certainty at this time although we would lean towards a more benign role for this variant. This variant is classified as likely benign.